The following is an entry in ClinVar:

NM_003200.5(TCF3):c.1084G>T (p.Gly362Cys)

Gene: TCF3 (transcription factor 3; minus strand). Cytogenetic location: 19p13.3.
Variant type: single nucleotide variant.
Coding change: c.1084G>T on transcript NM_003200.5 (MANE Select); coding-DNA position 1084, G replaced by T.
Protein change: p.Gly362Cys; replaces glycine 362 with cysteine.
Molecular consequence: missense variant.
Genome position (GRCh38, 1-based): chr19:1,620,977, C>A on the plus strand (G>T on the coding strand, the complement: TCF3 is on the minus strand). VCF-style: chr19-1620977-C-A. GRCh37 (hg19) VCF-style: chr19-1620976-C-A.
Other names: c.1084G>T, p.Gly362Cys (NM_001136139.4, NM_001351778.2, NM_001351779.2); short protein forms G362C.
Identifiers: ClinVar variation 3646770 (VCV003646770.2).
Genomic context (GRCh38, chr19:1,620,977, plus strand): 5'-CCCAAACCCTCACAGACCTCAGCCTCCCCTCCCCCCAAAACCCTCACAGACCTGCCAGGC[C>A]CTGGGGGGAGCCCACGGGGGTAGAAGGGCTGGACGAGAAGTTATTGCTTGAGTGATCCGG-3'
Protein context (NP_003191.1, residues 352-372): SPSTPVGSPQ[Gly362Cys]LAGTSQWPRA

ClinVar aggregate classification (germline): Uncertain significance (1 of 4 stars; one submission).

Submission:

Labcorp Genetics (formerly Invitae), Labcorp
Classification: Uncertain significance. Last evaluated: 2024-03-19. Review status: criteria provided, single submitter. Criteria: Invitae Variant Classification Sherloc (09022015). Collection method: clinical testing. Allele origin: germline.
Comment: This sequence change replaces glycine, which is neutral and non-polar, with cysteine, which is neutral and slightly polar, at codon 362 of the TCF3 protein (p.Gly362Cys). This variant is not present in population databases (gnomAD no frequency). This variant has not been reported in the literature in individuals affected with TCF3-related conditions. Advanced modeling of protein sequence and biophysical properties (such as structural, functional, and spatial information, amino acid conservation, physicochemical variation, residue mobility, and thermodynamic stability) performed at Invitae indicates that this missense variant is not expected to disrupt TCF3 protein function with a negative predictive value of 80%. In summary, the available evidence is currently insufficient to determine the role of this variant in disease. Therefore, it has been classified as a Variant of Uncertain Significance.